The following is an entry in ClinVar:

ClinVar aggregate classification (germline): Pathogenic/Likely pathogenic. Review status: criteria provided, multiple submitters, no conflicts (2 of 4 stars). 4 submissions from 4 submitters: Pathogenic (2); Likely pathogenic (1). 1 of the submissions does not count toward it. Last evaluated 2024-03-27.

Conditions:
CDH23-related disorder. Also called: CDH23-related disorders; CDH23-related condition.
Pituitary adenoma 5, multiple types. Identifiers: MedGen C4539685, MONDO:0054601, OMIM 617540.
Rare genetic deafness. Identifiers: Orphanet 96210, MedGen C5680250.
Usher syndrome type 1 (USH1). Also called: RETINITIS PIGMENTOSA AND CONGENITAL DEAFNESS. Identifiers: Orphanet 231169, Orphanet 886, MedGen C1568247, MONDO:0010168, OMIM 276900.

Submissions (4):

Baylor Genetics
Classification: Pathogenic for Pituitary adenoma 5, multiple types. Last evaluated: 2024-03-27. Review status: criteria provided, single submitter. Criteria: ACMG Guidelines, 2015. Collection method: clinical testing. Allele origin: unknown.

Blueprint Genetics
Classification: Likely pathogenic for CDH23-related disorders. Last evaluated: 2019-12-10. Review status: criteria provided, single submitter. Criteria: ACMG Guidelines, 2015. Collection method: clinical testing. Allele origin: germline. Affected: yes. Observed: 1 variant allele.

Laboratory for Molecular Medicine, Mass General Brigham Personalized Medicine
Classification: Pathogenic for Rare genetic deafness. Last evaluated: 2012-06-26. Review status: criteria provided, single submitter. Criteria: LMM Criteria. Collection method: clinical testing. Allele origin: germline. Inheritance: Autosomal recessive inheritance. Observed: 2 variant alleles.
Comment: The Pro2323fs variant in CDH23 has been reported in one individual with Usher sy ndrome and was absent from 96 control chromosomes (Astuto 2002). This frameshift variant is predicted to alter the protein?s amino acid sequence beginning at po sition 2323 and lead to a premature termination codon 50 amino acids downstream. This alteration is then predicted to lead to a truncated or absent protein. In summary, this variant meets our criteria to be classified as pathogenic.

Natera, Inc.
Classification: Pathogenic for Usher syndrome type 1. Last evaluated: 2020-10-08. Review status: no assertion criteria provided. Collection method: clinical testing. Allele origin: germline. Not counted in ClinVar's aggregate classification.

Literature cited by the submitters: PubMed 12075507 (cited by Laboratory for Molecular Medicine, Mass General Brigham Personalized Medicine).

NM_022124.6(CDH23):c.6968del (p.Pro2323fs)

Gene: CDH23 (cadherin related 23; plus strand). Cytogenetic location: 10q22.1.
Variant type: Deletion.
Coding change: c.6968del on transcript NM_022124.6 (MANE Select); coding-DNA position 6968, one base deleted (C; older notation c.6968delC).
Protein change: p.Pro2323fs; shifts the reading frame from proline 2323.
Molecular consequence: frameshift variant.
Genome position (GRCh38, 1-based): chr10:71,798,492, C deleted; the last of 3 consecutive C bases (chr10:71,798,490-71,798,492); deleting any one gives the same sequence. VCF-style (leftmost placement, unchanged base first): chr10-71798489-AC-A. GRCh37 (hg19) VCF-style: chr10-73558246-AC-A.
Other names: c.248del, p.Pro83fs (NM_001171933.1, NM_001171934.1); short protein forms P2323fs, P83fs.
Identifiers: ClinVar variation 46023 (VCV000046023.8), dbSNP rs397517350, ClinGen allele CA261796.